The following is an entry in ClinVar:

ClinVar aggregate classification (germline): Uncertain significance. Review status: criteria provided, multiple submitters, no conflicts (2 of 4 stars). 2 submissions from 2 submitters: Uncertain significance (2). Last evaluated 2025-02-07.

Allele frequency attached by ClinVar (database versions not stated): TOPMed 0.00001; ExAC 0.00002; gnomAD 0.00003; 1000 Genomes Project 30x 0.00016; 1000 Genomes Project 0.00020.

Submissions (2):

Ambry Genetics
Classification: Uncertain significance. Last evaluated: 2025-02-07. Review status: criteria provided, single submitter. Criteria: Ambry Variant Classification Scheme 2023. Collection method: clinical testing. Allele origin: germline.

Labcorp Genetics (formerly Invitae), Labcorp
Classification: Uncertain significance. Last evaluated: 2024-10-28. Review status: criteria provided, single submitter. Criteria: Invitae Variant Classification Sherloc (09022015). Collection method: clinical testing. Allele origin: germline.
Comment: This sequence change replaces aspartic acid, which is acidic and polar, with tyrosine, which is neutral and polar, at codon 148 of the TSEN34 protein (p.Asp148Tyr). This variant is present in population databases (rs373921569, gnomAD 0.02%). This variant has not been reported in the literature in individuals affected with TSEN34-related conditions. ClinVar contains an entry for this variant (Variation ID: 1900457). An algorithm developed to predict the effect of missense changes on protein structure and function (PolyPhen-2) suggests that this variant is likely to be tolerated. In summary, the available evidence is currently insufficient to determine the role of this variant in disease. Therefore, it has been classified as a Variant of Uncertain Significance.

NM_001077446.4(TSEN34):c.442G>T (p.Asp148Tyr)

Gene: TSEN34 (tRNA splicing endonuclease subunit 34; plus strand). Cytogenetic location: 19q13.42.
Variant type: single nucleotide variant.
Coding change: c.442G>T on transcript NM_001077446.4 (MANE Select); coding-DNA position 442, G replaced by T.
Protein change: p.Asp148Tyr; replaces aspartic acid 148 with tyrosine.
Molecular consequence: missense variant.
Genome position (GRCh38, 1-based): chr19:54,191,919, G>T. VCF-style: chr19-54191919-G-T. GRCh37 (hg19) VCF-style: chr19-54695770-G-T.
Other names: c.442G>T (NM_024075.3); c.442G>T, p.Asp148Tyr (NM_001282332.2, NM_001282333.2, NM_001386740.1 and 1 more transcripts); short protein forms D148Y.
Identifiers: ClinVar variation 1900457 (VCV001900457.6), dbSNP rs373921569, ClinGen allele CA309374058.